The following is an entry in ClinVar:

ClinVar aggregate classification (germline): Uncertain significance (1 of 4 stars; one submission).

Allele frequency attached by ClinVar (database versions not stated): 1000 Genomes Project 30x 0.00016.

Submission:

Women's Health and Genetics/Laboratory Corporation of America, LabCorp
Classification: Uncertain significance. Last evaluated: 2022-05-04. Review status: criteria provided, single submitter. Criteria: LabCorp Variant Classification Summary - May 2015. Collection method: clinical testing. Allele origin: germline.
Comment: Variant summary: ANTXR2 c.1069G>A (p.Ala357Thr) results in a non-conservative amino acid change in the encoded protein sequence. Three of five in-silico tools predict a benign effect of the variant on protein function. The variant allele was found at a frequency of 3.4e-05 in 232460 control chromosomes (gnomAD). The available data on variant occurrences in the general population are insufficient to allow any conclusion about variant significance. To our knowledge, no occurrence of c.1069G>A in individuals affected with Hyaline Fibromatosis Syndrome and no experimental evidence demonstrating its impact on protein function have been reported. No clinical diagnostic laboratories have submitted clinical-significance assessments for this variant to ClinVar after 2014. Based on the evidence outlined above, the variant was classified as uncertain significance.

NM_058172.6(ANTXR2):c.1069G>A (p.Ala357Thr)

Gene: ANTXR2 (ANTXR cell adhesion molecule 2; minus strand). Cytogenetic location: 4q21.21.
Variant type: single nucleotide variant.
Coding change: c.1069G>A on transcript NM_058172.6 (MANE Select); coding-DNA position 1069, G replaced by A.
Protein change: p.Ala357Thr; replaces alanine 357 with threonine.
Molecular consequence: missense variant.
Genome position (GRCh38, 1-based): chr4:79,984,836, C>T on the plus strand (G>A on the coding strand, the complement: ANTXR2 is on the minus strand). VCF-style: chr4-79984836-C-T. GRCh37 (hg19) VCF-style: chr4-80905990-C-T.
Other names: c.1069G>A, p.Ala357Thr (NM_001145794.2); c.838G>A, p.Ala280Thr (NM_001286780.2, NM_001286781.2); short protein forms A280T, A357T.
Identifiers: ClinVar variation 1696001 (VCV001696001.1), dbSNP rs12647691, ClinGen allele CA2981737.